The following is an entry in ClinVar:

NM_006416.5(SLC35A1):c.171G>T (p.Leu57Phe)

Gene: SLC35A1 (solute carrier family 35 member A1; plus strand). Cytogenetic location: 6q15.
Variant type: single nucleotide variant.
Coding change: c.171G>T on transcript NM_006416.5 (MANE Select); coding-DNA position 171, G replaced by T.
Protein change: p.Leu57Phe; replaces leucine 57 with phenylalanine.
Molecular consequence: missense variant.
Genome position (GRCh38, 1-based): chr6:87,477,516, G>T. VCF-style: chr6-87477516-G-T. GRCh37 (hg19) VCF-style: chr6-88187234-G-T.
Other names: c.171G>T, p.Leu57Phe (NM_001168398.2); c.171G>T (NM_006416.4); short protein forms L57F.
Identifiers: ClinVar variation 1379806 (VCV001379806.7), dbSNP rs76193993, ClinGen allele CA3915905.

ClinVar aggregate classification (germline): Conflicting classifications of pathogenicity. Review status: criteria provided, conflicting classifications (1 of 4 stars). 3 submissions from 3 submitters: Uncertain significance (2); Likely benign (1). Last evaluated 2024-03-22.

Conditions:
SLC35A1-congenital disorder of glycosylation. Also called: CDG IIf; SLC35A1-CDG; CONGENITAL DISORDER OF GLYCOSYLATION, TYPE IIf. Identifiers: Orphanet 238459, MedGen C1970344, MONDO:0011342, OMIM 603585.
Inborn genetic diseases. Identifiers: MedGen C0950123, MeSH D030342.

Allele frequency attached by ClinVar (database versions not stated): ExAC 0.00001; gnomAD 0.00001; gnomAD exomes 0.00001.
gnomAD v4.1: 20 of 1,613,808 alleles (0.0012%); highest among the groups gnomAD compares: Non-Finnish European, 0.0017%; no homozygotes.

Submissions (3):

Blueprint Genetics
Classification: Likely benign. Last evaluated: 2024-03-22. Review status: criteria provided, single submitter. Criteria: ACMG Guidelines, 2015. Collection method: clinical testing. Allele origin: germline.

Ambry Genetics
Classification: Uncertain significance for Inborn genetic diseases. Last evaluated: 2023-08-22. Review status: criteria provided, single submitter. Criteria: Ambry Variant Classification Scheme 2023. Collection method: clinical testing. Allele origin: germline.

Labcorp Genetics (formerly Invitae), Labcorp
Classification: Uncertain significance for SLC35A1-congenital disorder of glycosylation. Last evaluated: 2022-09-01. Review status: criteria provided, single submitter. Criteria: Invitae Variant Classification Sherloc (09022015). Collection method: clinical testing. Allele origin: germline.
Comment: This sequence change replaces leucine, which is neutral and non-polar, with phenylalanine, which is neutral and non-polar, at codon 57 of the SLC35A1 protein (p.Leu57Phe). This variant is present in population databases (rs76193993, gnomAD 0.002%). This variant has not been reported in the literature in individuals affected with SLC35A1-related conditions. ClinVar contains an entry for this variant (Variation ID: 1379806). Algorithms developed to predict the effect of missense changes on protein structure and function output the following: SIFT: "Tolerated"; PolyPhen-2: "Benign"; Align-GVGD: "Class C0". The phenylalanine amino acid residue is found in multiple mammalian species, which suggests that this missense change does not adversely affect protein function. In summary, the available evidence is currently insufficient to determine the role of this variant in disease. Therefore, it has been classified as a Variant of Uncertain Significance.